The following is an entry in ClinVar:

NM_001009944.3(PKD1):c.11473C>T (p.Leu3825=)

Genes: PKD1 (polycystin 1, transient receptor potential channel interacting; minus strand), PKD1-AS1 (PKD1 antisense RNA 1; plus strand). Cytogenetic location: 16p13.3.
Variant type: single nucleotide variant.
Coding change: c.11473C>T on transcript NM_001009944.3 (MANE Select); coding-DNA position 11473, C replaced by T.
Protein change: p.Leu3825=; no amino-acid change (leucine 3825 retained).
Molecular consequence: synonymous variant.
Genome position (GRCh38, 1-based): chr16:2,091,845, G>A on the plus strand (C>T on the coding strand, the complement: PKD1 is on the minus strand). VCF-style: chr16-2091845-G-A. GRCh37 (hg19) VCF-style: chr16-2141846-G-A.
Other names: c.11470C>T, p.Leu3824= (NM_000296.4).
Identifiers: ClinVar variation 3054822 (VCV003054822.19), dbSNP rs151157369, ClinGen allele CA7829108.

ClinVar aggregate classification (germline): Likely benign. Review status: criteria provided, multiple submitters, no conflicts (2 of 4 stars). 5 submissions from 5 submitters: Likely benign (4). 1 of the submissions does not count toward it. Last evaluated 2025-02-18.

Conditions:
Polycystic kidney disease, adult type (PKD1). Also called: Polycystic Kidney Disease 1, Autosomal Dominant; Polycystic kidney disease 1; Polycystic kidney disease 1, severe; Polycystic Kidney, Autosomal Dominant; POLYCYSTIC KIDNEY DISEASE, ADULT, TYPE I; POLYCYSTIC KIDNEY DISEASE 1 WITH OR WITHOUT POLYCYSTIC LIVER DISEASE. Identifiers: MedGen C3149841, MONDO:0008263, OMIM 173900.
PKD1-related disorder. Also called: PKD1-related condition.

Allele frequency attached by ClinVar (database versions not stated): gnomAD 0.00007; gnomAD exomes 0.00007; TOPMed 0.00007; ExAC 0.00009; ESP Exome Variant Server 0.00015; 1000 Genomes Project 30x 0.00031; 1000 Genomes Project 0.00040.
gnomAD v4.1: 103 of 1,610,360 alleles (0.0064%); highest among the groups gnomAD compares: Middle Eastern, 0.033%; no homozygotes.

Submissions (5):

Women's Health and Genetics/Laboratory Corporation of America, LabCorp
Classification: Likely benign. Last evaluated: 2025-02-18. Review status: criteria provided, single submitter. Criteria: LabCorp Variant Classification Summary - May 2015. Collection method: clinical testing. Allele origin: germline.

CeGaT Center for Human Genetics Tuebingen
Classification: Likely benign. Last evaluated: 2024-11-01. Review status: criteria provided, single submitter. Criteria: CeGaT Center For Human Genetics Tuebingen Variant Classification Criteria Version 2. Collection method: clinical testing. Allele origin: germline. Affected: yes. Observed: 1 variant allele.
Comment: PKD1: BP4, BP7

Blueprint Genetics
Classification: Likely benign. Last evaluated: 2024-09-21. Review status: criteria provided, single submitter. Criteria: ACMG Guidelines, 2015. Collection method: clinical testing. Allele origin: germline.

Department of Pathology and Laboratory Medicine, Sinai Health System
Classification: Likely benign for Polycystic kidney disease, adult type. Last evaluated: 2022-09-12. Review status: criteria provided, single submitter. Criteria: ACMG Guidelines, 2015. Collection method: clinical testing. Allele origin: germline. Affected: yes.

PreventionGenetics, part of Exact Sciences
Classification: Likely benign for PKD1-related condition. Last evaluated: 2021-02-02. Review status: no assertion criteria provided. Collection method: clinical testing. Allele origin: germline. Not counted in ClinVar's aggregate classification.
Comment: This variant is classified as likely benign based on ACMG/AMP sequence variant interpretation guidelines (Richards et al. 2015 PMID: 25741868, with internal and published modifications).